The following is an entry in ClinVar:

ClinVar aggregate classification (germline): Uncertain significance. Review status: criteria provided, multiple submitters, no conflicts (2 of 4 stars). 4 submissions from 4 submitters: Uncertain significance (3). 1 of the submissions does not count toward it. Last evaluated 2024-12-09.

Conditions:
Congenital anomaly of kidney and urinary tract. Also called: Congenital anomalies of the kidney and urinary tract; Congenital anomalies of kidney and urinary tract. Identifiers: Orphanet 93545, MedGen C1968949, MeSH C566906, MONDO:0019719.
Van Maldergem syndrome 2 (VMLDS2). Identifiers: Orphanet 314679, MedGen C3809875, MONDO:0014242, OMIM 615546.
Hennekam lymphangiectasia-lymphedema syndrome 2 (HKLLS2). Identifiers: Orphanet 2136, MedGen C4014939, MONDO:0014454, OMIM 616006.

Allele frequency attached by ClinVar (database versions not stated): gnomAD 0.00001; gnomAD exomes 0.00001 and 0.00002; ExAC 0.00002; TOPMed 0.00002.
gnomAD v4.1: 13 of 1,613,982 alleles (0.00081%); highest among the groups gnomAD compares: South Asian, 0.0044%; no homozygotes.

Submissions (4):

Labcorp Genetics (formerly Invitae), Labcorp
Classification: Uncertain significance. Last evaluated: 2024-12-09. Review status: criteria provided, single submitter. Criteria: Invitae Variant Classification Sherloc (09022015). Collection method: clinical testing. Allele origin: germline.
Comment: This sequence change replaces serine, which is neutral and polar, with glycine, which is neutral and non-polar, at codon 3103 of the FAT4 protein (p.Ser3103Gly). This variant is present in population databases (rs764097811, gnomAD 0.003%). This missense change has been observed in individual(s) with clinical features of FAT4-related conditions (PMID: 28878612). This variant is also known as c.9313A>G (p.Ser3105Gly). ClinVar contains an entry for this variant (Variation ID: 813917). Invitae Evidence Modeling of protein sequence and biophysical properties (such as structural, functional, and spatial information, amino acid conservation, physicochemical variation, residue mobility, and thermodynamic stability) indicates that this missense variant is not expected to disrupt FAT4 protein function with a negative predictive value of 95%. In summary, the available evidence is currently insufficient to determine the role of this variant in disease. Therefore, it has been classified as a Variant of Uncertain Significance.

Fulgent Genetics
Classification: Uncertain significance for Van Maldergem syndrome 2; Hennekam lymphangiectasia-lymphedema syndrome 2. Last evaluated: 2024-05-23. Review status: criteria provided, single submitter. Criteria: ACMG Guidelines, 2015. Collection method: clinical testing. Allele origin: germline.

Broad Center for Mendelian Genomics, Broad Institute of MIT and Harvard
Classification: Uncertain significance for Van Maldergem syndrome 2. Last evaluated: 2018-12-03. Review status: criteria provided, single submitter. Criteria: ACMG Guidelines, 2015. Collection method: research. Allele origin: germline. Inheritance: Autosomal recessive inheritance. Affected: yes.
Comment: The p.Ser3103Gly variant in FAT4 has not been previously reported in individuals with Van Maldergem syndrome and has been identified in 0.003249% (1/30778) of South Asian chromosomes, 0.002980% (1/33556) of Latino chromosomes, and 0.002708% (3/110802) of European (non-Finnish) chromosomes by the Genome Aggregation Database (gnomAD; dbSNP rs764097811). Although this variant has been seen in the general population, its frequency is low enough to be consistent with a recessive carrier frequency. Computational prediction tools and conservation analyses suggest that this variant may not impact the protein, though this information is not predictive enough to rule out pathogenicity. In summary, the clinical significance of the p.Ser3103Gly variant is uncertain. ACMG/AMP Criteria applied: PM2, BP4 (Richards 2015).

Yale Center for Mendelian Genomics, Yale University
Classification: Likely pathogenic for Congenital anomaly of kidney and urinary tract. Last evaluated: 2018-08-24. Review status: no assertion criteria provided. Collection method: literature only. Allele origin: germline. Affected: yes. Observed: 1 compound heterozygote. Study: Yale Center for Mendelian Genomics. Not counted in ClinVar's aggregate classification.

Literature cited by the submitters: PubMed 28878612 (cited by Labcorp Genetics (formerly Invitae), Labcorp); PubMed 30143558 (cited by Yale Center for Mendelian Genomics, Yale University).

NM_001291303.3(FAT4):c.9313A>G (p.Ser3105Gly)

Gene: FAT4 (FAT atypical cadherin 4; plus strand). Cytogenetic location: 4q28.1.
Variant type: single nucleotide variant.
Coding change: c.9313A>G on transcript NM_001291303.3 (MANE Select); coding-DNA position 9313, A replaced by G.
Protein change: p.Ser3105Gly; replaces serine 3105 with glycine.
Molecular consequence: missense variant.
Genome position (GRCh38, 1-based): chr4:125,450,323, A>G. VCF-style: chr4-125450323-A-G. GRCh37 (hg19) VCF-style: chr4-126371478-A-G.
Other names: c.9313A>G, p.Ser3105Gly (NM_001291285.3); c.9307A>G, p.Ser3103Gly (NM_024582.6); c.9307A>G (NM_024582.5); short protein forms S3105G, S3103G.
Identifiers: ClinVar variation 813917 (VCV000813917.6), dbSNP rs764097811, ClinGen allele CA3073506.
Genomic context (GRCh38, chr4:125,450,323, plus strand): 5'-AACTACCATACACCTGAATTCTCTCAAAGCCACATGAGTGCAACCATCCCTGAGAGCCAT[A>G]GCATTGGGTCCATTGTCAGAACTGTTTCTGCAAGAGATAGAGATGCAGCGATGAATGGCT-3'
Protein context (NP_001278232.1, residues 3095-3115): HMSATIPESH[Ser3105Gly]IGSIVRTVSA